The following is an entry in ClinVar:

ClinVar aggregate classification (germline): Likely benign. Review status: criteria provided, multiple submitters, no conflicts (2 of 4 stars). 6 submissions from 6 submitters: Likely benign (5). 1 of the submissions does not count toward it. Last evaluated 2025-10-11.

Conditions:
Developmental and epileptic encephalopathy, 31A. Also called: Epileptic encephalopathy, early infantile, 31; Developmental and epileptic encephalopathy, 31. Identifiers: Orphanet 2382, MedGen C4225357, MONDO:0014598, OMIM 616346.
DNM1-related disorder. Also called: DNM1-related condition.
Inborn genetic diseases. Identifiers: MedGen C0950123, MeSH D030342.

Allele frequency attached by ClinVar (database versions not stated): TOPMed 0.00020; ESP Exome Variant Server 0.00031; gnomAD exomes 0.00041 and 0.00014; ExAC 0.00013; gnomAD 0.00017 and 0.00019.

Submissions (6):

Labcorp Genetics (formerly Invitae), Labcorp
Classification: Likely benign for Developmental and epileptic encephalopathy, 31A. Last evaluated: 2025-10-11. Review status: criteria provided, single submitter. Criteria: Invitae Variant Classification Sherloc (09022015). Collection method: clinical testing. Allele origin: germline.

CeGaT Center for Human Genetics Tuebingen
Classification: Likely benign. Last evaluated: 2025-06-01. Review status: criteria provided, single submitter. Criteria: CeGaT Center For Human Genetics Tuebingen Variant Classification Criteria Version 2. Collection method: clinical testing. Allele origin: germline. Affected: yes. Observed: 3 variant alleles.
Comment: DNM1: PP2, BS1

Blueprint Genetics
Classification: Likely benign. Last evaluated: 2024-06-20. Review status: criteria provided, single submitter. Criteria: ACMG Guidelines, 2015. Collection method: clinical testing. Allele origin: germline.

Ambry Genetics
Classification: Likely benign for Inborn genetic diseases. Last evaluated: 2021-09-28. Review status: criteria provided, single submitter. Criteria: Ambry Variant Classification Scheme 2023. Collection method: clinical testing. Allele origin: germline.

GeneDx
Classification: Likely benign. Last evaluated: 2018-03-08. Review status: criteria provided, single submitter. Criteria: GeneDx Variant Classification (06012015). Collection method: clinical testing. Allele origin: germline. Affected: yes.
Comment: This variant is considered likely benign or benign based on one or more of the following criteria: it is a conservative change, it occurs at a poorly conserved position in the protein, it is predicted to be benign by multiple in silico algorithms, and/or has population frequency not consistent with disease.

PreventionGenetics, part of Exact Sciences
Classification: Likely benign for DNM1-related condition. Last evaluated: 2020-03-13. Review status: no assertion criteria provided. Collection method: clinical testing. Allele origin: germline. Not counted in ClinVar's aggregate classification.
Comment: This variant is classified as likely benign based on ACMG/AMP sequence variant interpretation guidelines (Richards et al. 2015 PMID: 25741868, with internal and published modifications).

NM_004408.4(DNM1):c.1586A>G (p.Asn529Ser)

Gene: DNM1 (dynamin 1; plus strand). Cytogenetic location: 9q34.11.
Variant type: single nucleotide variant.
Coding change: c.1586A>G on transcript NM_004408.4 (MANE Select); coding-DNA position 1586, A replaced by G.
Protein change: p.Asn529Ser; replaces asparagine 529 with serine.
Molecular consequence: missense variant.
Genome position (GRCh38, 1-based): chr9:128,242,260, A>G. VCF-style: chr9-128242260-A-G. GRCh37 (hg19) VCF-style: chr9-131004539-A-G.
Other names: c.1586A>G, p.Asn529Ser (NM_001005336.3, NM_001288737.2, NM_001288738.2 and 1 more transcripts); short protein forms N529S.
Identifiers: ClinVar variation 506647 (VCV000506647.50), dbSNP rs150040014, ClinGen allele CA5258245.